The following is an entry in ClinVar:

ClinVar aggregate classification (germline): Uncertain significance (1 of 4 stars; one submission).

gnomAD v4.1: 1 of 1,557,742 alleles (0.000064%); highest among the groups gnomAD compares: East Asian, 0.0022%; no homozygotes.

Submission:

Labcorp Genetics (formerly Invitae), Labcorp
Classification: Uncertain significance. Last evaluated: 2024-02-15. Review status: criteria provided, single submitter. Criteria: Invitae Variant Classification Sherloc (09022015). Collection method: clinical testing. Allele origin: germline.
Comment: This sequence change falls in intron 4 of the LZTR1 gene. It does not directly change the encoded amino acid sequence of the LZTR1 protein. It affects a nucleotide within the consensus splice site. This variant is not present in population databases (gnomAD no frequency). This variant has been observed in individual(s) with schwannomatosis (Invitae). Variants that disrupt the consensus splice site are a relatively common cause of aberrant splicing (PMID: 17576681, 9536098). Algorithms developed to predict the effect of sequence changes on RNA splicing suggest that this variant may disrupt the consensus splice site. In summary, the available evidence is currently insufficient to determine the role of this variant in disease. Therefore, it has been classified as a Variant of Uncertain Significance.

Literature cited by the submitters: PubMed 17576681; PubMed 9536098.

NM_006767.4(LZTR1):c.401-3C>A

Gene: LZTR1 (leucine zipper like post translational regulator 1; plus strand). Cytogenetic location: 22q11.21.
Variant type: single nucleotide variant.
Coding change: c.401-3C>A on transcript NM_006767.4 (MANE Select); 3 bases into the intron before coding-DNA position 401, C replaced by A.
Molecular consequence: intron variant.
Genome position (GRCh38, 1-based): chr22:20,988,007, C>A. VCF-style: chr22-20988007-C-A. GRCh37 (hg19) VCF-style: chr22-21342296-C-A.
Identifiers: ClinVar variation 2972988 (VCV002972988.3), dbSNP rs777927039, ClinGen allele CA2396638791.